The following is an entry in ClinVar:

NM_001005242.3(PKP2):c.1672A>T (p.Lys558Ter)

Gene: PKP2 (plakophilin 2; minus strand). Cytogenetic location: 12p11.21.
Variant type: single nucleotide variant.
Coding change: c.1672A>T on transcript NM_001005242.3 (MANE Select); coding-DNA position 1672, A replaced by T.
Protein change: p.Lys558Ter; replaces lysine 558 with a stop codon.
Molecular consequence: nonsense.
Genome position (GRCh38, 1-based): chr12:32,824,047, T>A on the plus strand (A>T on the coding strand, the complement: PKP2 is on the minus strand). VCF-style: chr12-32824047-T-A. GRCh37 (hg19) VCF-style: chr12-32976981-T-A.
Other names: p.K602*:AAG>TAG; c.1804A>T, p.Lys602Ter (NM_004572.4); short protein forms K602*, K558*.
Identifiers: ClinVar variation 201994 (VCV000201994.2), dbSNP rs794729109, ClinGen allele CA011445.

ClinVar aggregate classification (germline): Pathogenic (1 of 4 stars; one submission).

Submission:

GeneDx
Classification: Pathogenic. Last evaluated: 2014-04-14. Review status: criteria provided, single submitter. Criteria: GeneDx Variant Classification (06012015). Collection method: clinical testing. Allele origin: germline. Affected: yes.
Comment: p.Lys602Stop (AAG>TAG): c.1804 A>T in exon 8 of the PKP2 gene (NM_004572.3). The K602X mutation in the PKP2 gene has not been reported as a disease-causing mutation or as a benign polymorphism to our knowledge. However, K602X is predicted to cause loss of normal protein function either by protein truncation or nonsense-mediated mRNA decay. Furthermore, the K602X mutation was not observed inapproximately 6500 individuals of European and African American ancestry in the NHLBI Exome Sequencing Project, indicating it is not a common benign variant in these populations. Other nonsense mutations in the PKP2 gene have been reported in association with ARVC. In summary, K602X in the PKP2 gene is interpreted as a disease-causing mutation. The variant is found in CARDIOMYOPATHY panel(s).